The following is an entry in ClinVar:

NC_000002.11:g.(?_88747726)_(88752053_?)dup

Gene: FOXI3 (forkhead box I3; minus strand). Cytogenetic location: 2p11.2.
Variant type: Duplication.
Identifiers: ClinVar variation 3247483 (VCV003247483.1).

ClinVar aggregate classification (germline): Uncertain significance (1 of 4 stars; one submission).

Submission:

Labcorp Genetics (formerly Invitae), Labcorp
Classification: Uncertain significance. Last evaluated: 2024-01-04. Review status: criteria provided, single submitter. Criteria: Invitae Variant Classification Sherloc (09022015). Collection method: clinical testing. Allele origin: unknown.
Comment: A copy number gain of the genomic region encompassing the full coding sequence of the FOXI3 gene has been identified. The boundaries of this event are unknown as they extend beyond the assayed region for this gene and therefore may encompass additional genes. As the precise location of this event is unknown, it may be in tandem or it may be located elsewhere in the genome. This variant has not been reported in the literature in individuals affected with FOXI3-related conditions. Experimental studies and prediction algorithms are not available or were not evaluated, and the functional significance of this variant is currently unknown. In summary, the available evidence is currently insufficient to determine the role of this variant in disease. Therefore, it has been classified as a Variant of Uncertain Significance.